The following is an entry in ClinVar:

ClinVar aggregate classification (germline): Uncertain significance (1 of 4 stars; one submission).

Conditions:
Inborn genetic diseases. Identifiers: MedGen C0950123, MeSH D030342.

Allele frequency attached by ClinVar (database versions not stated): TOPMed below 0.00001; ExAC 0.00001; ESP Exome Variant Server 0.00008.

Submission:

Ambry Genetics
Classification: Uncertain significance for Inborn genetic diseases. Last evaluated: 2021-01-11. Review status: criteria provided, single submitter. Criteria: Ambry Variant Classification Scheme 2023. Collection method: clinical testing. Allele origin: germline.
Comment: The c.1796A>C (p.H599P) alteration is located in exon 11 (coding exon 9) of the MAG gene. This alteration results from a A to C substitution at nucleotide position 1796, causing the histidine (H) at amino acid position 599 to be replaced by a proline (P). The p.H599P alteration is predicted to be tolerated by in silico analysis. Based on insufficient or conflicting evidence, the clinical significance of this alteration remains unclear.

NM_002361.4(MAG):c.1796A>C (p.His599Pro)

Gene: MAG (myelin associated glycoprotein; plus strand). Cytogenetic location: 19q13.12.
Variant type: single nucleotide variant.
Coding change: c.1796A>C on transcript NM_002361.4 (MANE Select); coding-DNA position 1796, A replaced by C.
Protein change: p.His599Pro; replaces histidine 599 with proline.
Molecular consequence: missense variant. On other transcripts: 3 prime UTR variant (1).
Genome position (GRCh38, 1-based): chr19:35,313,369, A>C. VCF-style: chr19-35313369-A-C. GRCh37 (hg19) VCF-style: chr19-35804272-A-C.
Other names: c.1721A>C, p.His574Pro (NM_001199216.2); c.*92A>C (NM_080600.3); short protein forms H574P, H599P.
Identifiers: ClinVar variation 2228739 (VCV002228739.2), dbSNP rs370759759, ClinGen allele CA9376423.